The following is an entry in ClinVar:

NM_020207.7(ERCC6L2):c.3359A>C (p.Tyr1120Ser)

Gene: ERCC6L2 (ERCC excision repair 6 like 2; plus strand). Cytogenetic location: 9q22.32.
Variant type: single nucleotide variant.
Coding change: c.3359A>C on transcript NM_020207.7 (MANE Select); coding-DNA position 3359, A replaced by C.
Protein change: p.Tyr1120Ser; replaces tyrosine 1120 with serine.
Molecular consequence: missense variant. On other transcripts: non-coding transcript variant (1).
Genome position (GRCh38, 1-based): chr9:95,978,082, A>C. VCF-style: chr9-95978082-A-C. GRCh37 (hg19) VCF-style: chr9-98740364-A-C.
Other names: c.3392A>C (NM_020207.4); c.3359A>C, p.Tyr1120Ser (NM_001375291.1, NM_001375292.1, NM_001375293.1 and 1 more transcripts); short protein forms Y1120S.
Identifiers: ClinVar variation 2867915 (VCV002867915.4), dbSNP rs201342012, ClinGen allele CA196601017.

ClinVar aggregate classification (germline): Uncertain significance. Review status: criteria provided, multiple submitters, no conflicts (2 of 4 stars). 2 submissions from 2 submitters: Uncertain significance (2). Last evaluated 2025-08-18.

Conditions:
ERCC6L2-related disorder. Also called: ERCC6L2-related condition.

Allele frequency attached by ClinVar (database versions not stated): TOPMed below 0.00001.
gnomAD v4.1: 2 of 1,367,028 alleles (0.00015%); highest among the groups gnomAD compares: Non-Finnish European, 0.0002%; no homozygotes.

Submissions (2):

PreventionGenetics, part of Exact Sciences
Classification: Uncertain significance for ERCC6L2-related condition. Last evaluated: 2025-08-18. Review status: criteria provided, single submitter. Criteria: ACMG Guidelines, 2015. Collection method: clinical testing. Allele origin: germline.
Comment: The ERCC6L2 c.3392A>C variant is predicted to result in the amino acid substitution p.Tyr1131Ser. To our knowledge, this variant has not been reported in the literature or in a large population database (gnomAD), indicating this variant is rare. At this time, the clinical significance of this variant is uncertain due to the absence of conclusive functional and genetic evidence.

Labcorp Genetics (formerly Invitae), Labcorp
Classification: Uncertain significance. Last evaluated: 2024-01-06. Review status: criteria provided, single submitter. Criteria: Invitae Variant Classification Sherloc (09022015). Collection method: clinical testing. Allele origin: germline.
Comment: This sequence change replaces tyrosine, which is neutral and polar, with serine, which is neutral and polar, at codon 1131 of the ERCC6L2 protein (p.Tyr1131Ser). This variant is not present in population databases (gnomAD no frequency). This variant has not been reported in the literature in individuals affected with ERCC6L2-related conditions. Experimental studies and prediction algorithms are not available or were not evaluated, and the functional significance of this variant is currently unknown. In summary, the available evidence is currently insufficient to determine the role of this variant in disease. Therefore, it has been classified as a Variant of Uncertain Significance.